The following is an entry in ClinVar:

NM_007294.4(BRCA1):c.5173G>C (p.Glu1725Gln)

Gene: BRCA1 (BRCA1 DNA repair associated; minus strand). Cytogenetic location: 17q21.31.
Variant type: single nucleotide variant.
Coding change: c.5173G>C on transcript NM_007294.4 (MANE Select); coding-DNA position 5173, G replaced by C.
Protein change: p.Glu1725Gln; replaces glutamic acid 1725 with glutamine.
Molecular consequence: missense variant. On other transcripts: non-coding transcript variant (1).
Genome position (GRCh38, 1-based): chr17:43,063,353, C>G on the plus strand (G>C on the coding strand, the complement: BRCA1 is on the minus strand). VCF-style: chr17-43063353-C-G. GRCh37 (hg19) VCF-style: chr17-41215370-C-G.
Other names: c.4960G>C, p.Glu1654Gln (NM_001407571.1, NM_001407900.1, NM_001407902.1 and 12 more transcripts); c.5239G>C, p.Glu1747Gln (NM_001407581.1, NM_001407582.1); c.5236G>C, p.Glu1746Gln (NM_001407583.1, NM_001407585.1, NM_001407587.1 and 1 more transcripts); c.5170G>C, p.Glu1724Gln (NM_001407610.1, NM_001407611.1, NM_001407612.1 and 17 more transcripts); c.5167G>C, p.Glu1723Gln (NM_001407629.1, NM_001407630.1, NM_001407631.1 and 14 more transcripts); c.5113G>C, p.Glu1705Gln (NM_001407649.1); c.5095G>C, p.Glu1699Gln (NM_001407652.1, NM_001407653.1, NM_001407654.1 and 1 more transcripts); c.5092G>C, p.Glu1698Gln (NM_001407656.1, NM_001407657.1, NM_001407658.1); and 72 more; short protein forms E1725Q, E1746Q, E621Q, E1678Q, E1612Q, E1635Q, E1637Q, E1658Q.
Identifiers: ClinVar variation 867767 (VCV000867767.3), dbSNP rs80357291, ClinGen allele CA10591198.
Genomic context (GRCh38, chr17:43,063,353, plus strand): 5'-AATGAATATCTCTGGTTAGTTTGTAACATCAAGTACTTACCTCATTCAGCATTTTTCTTT[C>G]TTTAATAGACTGGGTCACCCCTAAAGAGATCATAGAAAAGACAGGTTACATACAGCAGAA-3'
Protein context (NP_009225.1, residues 1715-1735): SYFWVTQSIK[Glu1725Gln]RKMLNEHDFE

Conditions:
Breast-ovarian cancer, familial, susceptibility to, 1 (BROVCA1). Also called: BRCA1 Hereditary Breast and Ovarian Cancer; OVARIAN CANCER, SUSCEPTIBILITY TO. Identifiers: Orphanet 145, MedGen C2676676, MONDO:0011450, OMIM 604370. Disease mechanism: loss of function.

Submission:

Brotman Baty Institute, University of Washington
No classification provided (evidence only). Condition: Breast-ovarian cancer, familial 1. Review status: no classification provided. Collection method: in vitro. Allele origin: not applicable. Functional consequence: functionally_normal.
ClinVar note: "not provided" was previously submitted as the classification for the variant. However, the classification appeared to be based only on an observation of functional data so it was converted to no classification on 2025-07-30.